The following is an entry in ClinVar:

ClinVar aggregate classification (germline): Uncertain significance. Review status: criteria provided, multiple submitters, no conflicts (2 of 4 stars). 3 submissions from 3 submitters: Uncertain significance (3). Last evaluated 2025-10-02.

Conditions:
Cardiovascular phenotype. Identifiers: MedGen CN230736.
Hypertrophic cardiomyopathy 25 (CMH25). Also called: CARDIOMYOPATHY, FAMILIAL HYPERTROPHIC, 25. Identifiers: MedGen C4225408, MONDO:0011843, OMIM 607487.
Primary familial hypertrophic cardiomyopathy (HCM). Identifiers: Orphanet 99739, MedGen C0949658, MeSH D024741, MONDO:0024573. Inheritance: Various modes of inheritance.

Allele frequency attached by ClinVar (database versions not stated): gnomAD 0.00002; TOPMed 0.00002.

Submissions (3):

Labcorp Genetics (formerly Invitae), Labcorp
Classification: Uncertain significance for Hypertrophic cardiomyopathy 25; Primary familial hypertrophic cardiomyopathy. Last evaluated: 2025-10-02. Review status: criteria provided, single submitter. Criteria: Invitae Variant Classification Sherloc (09022015). Collection method: clinical testing. Allele origin: germline.
Comment: This sequence change replaces aspartic acid, which is acidic and polar, with glycine, which is neutral and non-polar, at codon 129 of the TCAP protein (p.Asp129Gly). This variant is present in population databases (no rsID available, gnomAD 0.007%). This variant has not been reported in the literature in individuals affected with TCAP-related conditions. ClinVar contains an entry for this variant (Variation ID: 811127). An algorithm developed to predict the effect of missense changes on protein structure and function (PolyPhen-2) suggests that this variant is likely to be tolerated. In summary, the available evidence is currently insufficient to determine the role of this variant in disease. Therefore, it has been classified as a Variant of Uncertain Significance.

Ambry Genetics
Classification: Uncertain significance for Cardiovascular phenotype. Last evaluated: 2023-05-01. Review status: criteria provided, single submitter. Criteria: Ambry Variant Classification Scheme 2023. Collection method: clinical testing. Allele origin: germline.
Comment: The p.D129G variant (also known as c.386A>G), located in coding exon 2 of the TCAP gene, results from an A to G substitution at nucleotide position 386. The aspartic acid at codon 129 is replaced by glycine, an amino acid with similar properties. This amino acid position is not well conserved in available vertebrate species, and glycine is the reference amino acid in other vertebrate species. In addition, this alteration is predicted to be tolerated by in silico analysis. Since supporting evidence is limited at this time, the clinical significance of this alteration remains unclear.

ARUP Laboratories, Molecular Genetics and Genomics, ARUP Laboratories
Classification: Uncertain significance. Last evaluated: 2018-09-25. Review status: criteria provided, single submitter. Criteria: ARUP Molecular Germline Variant Investigation Process. Collection method: clinical testing. Allele origin: germline.
Comment: The TCAP c.386A>G; p.Asp129Gly variant, to our knowledge, is not reported in the medical literature or gene specific databases. This variant is only observed on one allele in the Genome Aggregation Database, indicating it is not a common polymorphism. The aspartic acid at codon 129 is moderately conserved, and computational analyses (SIFT: damaging, PolyPhen-2: benign) predict conflicting effects of this variant on protein structure/function. Due to limited information, the clinical significance of the p.Asp129Gly variant is uncertain at this time.

NM_003673.4(TCAP):c.386A>G (p.Asp129Gly)

Gene: TCAP (titin-cap; plus strand). Cytogenetic location: 17q12.
Variant type: single nucleotide variant.
Coding change: c.386A>G on transcript NM_003673.4 (MANE Select); coding-DNA position 386, A replaced by G.
Protein change: p.Asp129Gly; replaces aspartic acid 129 with glycine.
Molecular consequence: missense variant.
Genome position (GRCh38, 1-based): chr17:39,665,991, A>G. VCF-style: chr17-39665991-A-G. GRCh37 (hg19) VCF-style: chr17-37822244-A-G.
Other names: short protein forms D129G.
Identifiers: ClinVar variation 811127 (VCV000811127.18), dbSNP rs1324156287, ClinGen allele CA399305473.